The following is an entry in ClinVar:

ClinVar aggregate classification (germline): Likely pathogenic (1 of 4 stars; one submission).

Conditions:
Hermansky-Pudlak syndrome 3 (HPS3). Identifiers: Orphanet 231512, Orphanet 79430, MedGen C3888001, MONDO:0013555, OMIM 614072.

Submission:

Myriad Genetics, Inc.
Classification: Likely pathogenic for Hermansky-Pudlak syndrome 3. Last evaluated: 2021-12-08. Review status: criteria provided, single submitter. Criteria: Myriad Women's Health Autosomal Recessive and X-Linked Classification Criteria (2021). Collection method: clinical testing. Allele origin: unknown.
Comment: NM_032383.3(HPS3):c.795_796delTGinsA(S265Rfs*15) is expected to be pathogenic in the context of Hermansky-Pudlak syndrome type 3. This variant is predicted to lead to an abnormal or absent protein product due to the creation of a premature termination codon in HPS3, a gene where loss-of-function variants are known to be pathogenic. Please note: this variant was assessed in the context of healthy population screening.

NM_032383.5(HPS3):c.795_796delinsA (p.Ser265fs)

Gene: HPS3 (HPS3 biogenesis of lysosomal organelles complex 2 subunit 1; plus strand). Cytogenetic location: 3q24.
Variant type: Indel.
Coding change: c.795_796delinsA on transcript NM_032383.5 (MANE Select); coding-DNA positions 795 to 796, TG replaced by A.
Protein change: p.Ser265fs; shifts the reading frame from serine 265.
Molecular consequence: frameshift variant.
Genome position (GRCh38, 1-based): chr3:149,141,099-149,141,100, TG replaced by A. VCF-style: chr3-149141099-TG-A. GRCh37 (hg19) VCF-style: chr3-148858886-TG-A.
Other names: c.300_301delinsA, p.Ser100fs (NM_001308258.2); short protein forms S100fs, S265fs.
Identifiers: ClinVar variation 1726069 (VCV001726069.2), dbSNP rs2473072455, ClinGen allele CA2580068910.